The following is an entry in ClinVar:

NM_152564.5(VPS13B):c.8593C>T (p.Leu2865Phe)

Gene: VPS13B (vacuolar protein sorting 13 homolog B; plus strand). Cytogenetic location: 8q22.2.
Variant type: single nucleotide variant.
Coding change: c.8593C>T on transcript NM_152564.5 (MANE Select); coding-DNA position 8593, C replaced by T.
Protein change: p.Leu2865Phe; replaces leucine 2865 with phenylalanine.
Molecular consequence: missense variant.
Genome position (GRCh38, 1-based): chr8:99,818,860, C>T. VCF-style: chr8-99818860-C-T. GRCh37 (hg19) VCF-style: chr8-100831088-C-T.
Other names: c.8668C>T, p.Leu2890Phe (NM_017890.5); short protein forms L2865F, L2890F.
Identifiers: ClinVar variation 1945643 (VCV001945643.2), dbSNP rs1814199572, ClinGen allele CA371775084.

ClinVar aggregate classification (germline): Uncertain significance (1 of 4 stars; one submission).

Conditions:
Cohen syndrome (COH1). Also called: Cutis verticis gyrata, retinitis pigmentosa, and sensorineural deafness; PEPPER SYNDROME. Identifiers: Orphanet 193, MedGen C0265223, MONDO:0008999, OMIM 216550.

Allele frequency attached by ClinVar (database versions not stated): gnomAD exomes below 0.00001.
gnomAD v4.1: 2 of 1,608,580 alleles (0.00012%); highest among the groups gnomAD compares: South Asian, 0.0011%; no homozygotes.

Submission:

Labcorp Genetics (formerly Invitae), Labcorp
Classification: Uncertain significance for Cohen syndrome. Last evaluated: 2022-06-13. Review status: criteria provided, single submitter. Criteria: Invitae Variant Classification Sherloc (09022015). Collection method: clinical testing. Allele origin: germline.
Comment: This sequence change replaces leucine, which is neutral and non-polar, with phenylalanine, which is neutral and non-polar, at codon 2890 of the VPS13B protein (p.Leu2890Phe). This variant is not present in population databases (gnomAD no frequency). This variant has not been reported in the literature in individuals affected with VPS13B-related conditions. Algorithms developed to predict the effect of missense changes on protein structure and function are either unavailable or do not agree on the potential impact of this missense change (SIFT: "Not Available"; PolyPhen-2: "Possibly Damaging"; Align-GVGD: "Not Available"). In summary, the available evidence is currently insufficient to determine the role of this variant in disease. Therefore, it has been classified as a Variant of Uncertain Significance.